The following is an entry in ClinVar:

ClinVar aggregate classification (germline): Likely benign. Review status: criteria provided, multiple submitters, no conflicts (2 of 4 stars). 5 submissions from 5 submitters: Likely benign (5). Last evaluated 2026-02-04.

Conditions:
MYH6-related disorder. Also called: MYH6-Related Disorders; MYH6-related condition.
Cardiovascular phenotype. Identifiers: MedGen CN230736.
Hypertrophic cardiomyopathy 14. Identifiers: MedGen C2750467, MONDO:0013197, OMIM 613251.

Allele frequency attached by ClinVar (database versions not stated): gnomAD 0.00005 and 0.00006; TOPMed 0.00005.
gnomAD v4.1: 69 of 1,613,958 alleles (0.0043%); highest among the groups gnomAD compares: Middle Eastern, 0.033%; no homozygotes.

Submissions (5):

PreventionGenetics, part of Exact Sciences
Classification: Likely benign for MYH6-related condition. Last evaluated: 2026-02-04. Review status: criteria provided, single submitter. Criteria: ACMG Guidelines, 2015. Collection method: clinical testing. Allele origin: germline.
Comment: This variant is classified as likely benign based on ACMG/AMP sequence variant interpretation guidelines (Richards et al. 2015 PMID: 25741868, with internal and published modifications).

Labcorp Genetics (formerly Invitae), Labcorp
Classification: Likely benign for Hypertrophic cardiomyopathy 14. Last evaluated: 2025-01-06. Review status: criteria provided, single submitter. Criteria: Invitae Variant Classification Sherloc (09022015). Collection method: clinical testing. Allele origin: germline.

Blueprint Genetics
Classification: Likely benign. Last evaluated: 2024-11-27. Review status: criteria provided, single submitter. Criteria: ACMG Guidelines, 2015. Collection method: clinical testing. Allele origin: germline.

GeneDx
Classification: Likely benign. Last evaluated: 2019-03-20. Review status: criteria provided, single submitter. Criteria: GeneDx Variant Classification Process June 2021. Collection method: clinical testing. Allele origin: germline. Affected: yes.

Ambry Genetics
Classification: Likely benign for Cardiovascular phenotype. Last evaluated: 2018-11-27. Review status: criteria provided, single submitter. Criteria: Ambry Variant Classification Scheme 2023. Collection method: clinical testing. Allele origin: germline.

NM_002471.4(MYH6):c.1752C>T (p.Ala584=)

Gene: MYH6 (myosin heavy chain 6; minus strand). Cytogenetic location: 14q11.2.
Variant type: single nucleotide variant.
Coding change: c.1752C>T on transcript NM_002471.4 (MANE Select); coding-DNA position 1752, C replaced by T.
Protein change: p.Ala584=; no amino-acid change (alanine 584 retained).
Molecular consequence: synonymous variant.
Genome position (GRCh38, 1-based): chr14:23,398,867, G>A on the plus strand (C>T on the coding strand, the complement: MYH6 is on the minus strand). VCF-style: chr14-23398867-G-A. GRCh37 (hg19) VCF-style: chr14-23868076-G-A.
Identifiers: ClinVar variation 414330 (VCV000414330.15), dbSNP rs756971568, ClinGen allele CA7115717.